The following is an entry in ClinVar:

NM_175057.4(TAAR9):c.246A>T (p.Gly82=)

Gene: TAAR9 (trace amine associated receptor 9; plus strand). Cytogenetic location: 6q23.2.
Variant type: single nucleotide variant.
Coding change: c.246A>T on transcript NM_175057.4 (MANE Select); coding-DNA position 246, A replaced by T.
Protein change: p.Gly82=; no amino-acid change (glycine 82 retained).
Molecular consequence: synonymous variant.
Genome position (GRCh38, 1-based): chr6:132,538,535, A>T. VCF-style: chr6-132538535-A-T. GRCh37 (hg19) VCF-style: chr6-132859674-A-T.
Identifiers: ClinVar variation 2656914 (VCV002656914.24), dbSNP rs192495199, ClinGen allele CA4003924.

ClinVar aggregate classification (germline): Likely benign (1 of 4 stars; one submission).

Allele frequency attached by ClinVar (database versions not stated): 1000 Genomes Project 0.00100; 1000 Genomes Project 30x 0.00109; gnomAD 0.00219; ESP Exome Variant Server 0.00224; TOPMed 0.00231; gnomAD exomes 0.00276; ExAC 0.00293.

Submission:

CeGaT Center for Human Genetics Tuebingen
Classification: Likely benign. Last evaluated: 2023-03-01. Review status: criteria provided, single submitter. Criteria: CeGaT Center For Human Genetics Tuebingen Variant Classification Criteria Version 2. Collection method: clinical testing. Allele origin: germline. Affected: yes. Observed: 1 variant allele.
Comment: TAAR9: BS2